The following is an entry in ClinVar:

ClinVar aggregate classification (germline): Pathogenic/Likely pathogenic. Review status: criteria provided, multiple submitters, no conflicts (2 of 4 stars). 7 submissions from 7 submitters: Pathogenic (3); Likely pathogenic (4). Last evaluated 2025-11-11.

Conditions:
Charcot-Marie-Tooth disease axonal type 2Q. Also called: CHARCOT-MARIE-TOOTH DISEASE, AXONAL, AUTOSOMAL DOMINANT, TYPE 2Q; CHARCOT-MARIE-TOOTH NEUROPATHY, TYPE 2Q. Identifiers: Orphanet 329258, MedGen C3554366, MONDO:0014012, OMIM 615025.
2-aminoadipic 2-oxoadipic aciduria (AAKAD). Also called: Aminoadipic aciduria; ALPHA-AMINOADIPIC AND ALPHA-KETOADIPIC ACIDURIA. Identifiers: Orphanet 79154, MedGen C1859817, MONDO:0008774, OMIM 204750.

Allele frequency attached by ClinVar (database versions not stated): ExAC 0.00001; gnomAD 0.00002; TOPMed 0.00002; gnomAD exomes 0.00003.
gnomAD v4.1: 36 of 1,614,022 alleles (0.0022%); highest among the groups gnomAD compares: Middle Eastern, 0.16%; no homozygotes.

Submissions (7):

Dasa
Classification: Likely pathogenic. Last evaluated: 2025-11-11. Review status: criteria provided, single submitter. Criteria: DASA Assertion Criteria. Collection method: clinical testing. Allele origin: germline.
Comment: NM_018706.7(DHTKD1):c.1897-1G>A affects a canonical splice site and is predicted to disrupt normal RNA splicing. Loss of function is an established disease mechanism for DHTKD1-associated disorders. This variant has been reported in individuals with DHTKD1-related disorders (PMID: 29669943). Also, this variant is rare in population databases. Based on the currently available evidence, this variant is classified as likely pathogenic.

Genomic Medicine Center of Excellence, King Faisal Specialist Hospital and Research Centre
Classification: Pathogenic for Charcot-Marie-Tooth disease axonal type 2Q. Last evaluated: 2025-09-10. Review status: criteria provided, single submitter. Criteria: ACMG Guidelines, 2015. Collection method: clinical testing. Allele origin: germline.

First Genomix Gene Laboratory, Genetic Diagnostics Department
Classification: Likely pathogenic for 2-aminoadipic 2-oxoadipic aciduria. Last evaluated: 2025-03-27. Review status: criteria provided, single submitter. Criteria: ACMG Guidelines, 2015. Collection method: clinical testing. Allele origin: germline. Inheritance: Autosomal recessive inheritance. Affected: no. Observed: 1 variant allele.

Revvity Omics, Revvity
Classification: Likely pathogenic. Last evaluated: 2025-03-16. Review status: criteria provided, single submitter. Criteria: ACMG Guidelines, 2015. Collection method: clinical testing. Allele origin: germline.

Labcorp Genetics (formerly Invitae), Labcorp
Classification: Pathogenic for 2-aminoadipic 2-oxoadipic aciduria. Last evaluated: 2024-08-23. Review status: criteria provided, single submitter. Criteria: Invitae Variant Classification Sherloc (09022015). Collection method: clinical testing. Allele origin: germline.
Comment: This sequence change affects an acceptor splice site in intron 10 of the DHTKD1 gene. It is expected to disrupt RNA splicing. Variants that disrupt the donor or acceptor splice site typically lead to a loss of protein function (PMID: 16199547), and loss-of-function variants in DHTKD1 are known to be pathogenic (PMID: 23141293, 25860818). This variant is present in population databases (rs760386662, gnomAD 0.005%). Disruption of this splice site has been observed in individual(s) with eosinophilic esophagitis (PMID: 29669943). ClinVar contains an entry for this variant (Variation ID: 467824). Algorithms developed to predict the effect of variants on gene product structure and function are not available or were not evaluated for this variant. Experimental studies have shown that disruption of this splice site affects DHTKD1 function (PMID: 29669943). Algorithms developed to predict the effect of sequence changes on RNA splicing suggest that this variant may disrupt the consensus splice site. For these reasons, this variant has been classified as Pathogenic.

Women's Health and Genetics/Laboratory Corporation of America, LabCorp
Classification: Likely pathogenic for 2-aminoadipic 2-oxoadipic aciduria. Last evaluated: 2023-05-19. Review status: criteria provided, single submitter. Criteria: LabCorp Variant Classification Summary - May 2015. Collection method: clinical testing. Allele origin: germline.
Comment: Variant summary: DHTKD1 c.1897-1G>A is located in a canonical splice-site and is predicted to affect mRNA splicing resulting in a significantly altered protein due to either exon skipping, shortening, or inclusion of intronic material. Several computational tools predict a significant impact on normal splicing: Three predict the variant abolishes a canonical 3' acceptor site and one predicts the variant weakens the same canonical 3' acceptor site. However, these predictions have yet to be confirmed by functional studies. The variant allele was found at a frequency of 2.8e-05 in 251448 control chromosomes (gnomAD). c.1897-1G>A has been reported in the literature in a heterozygous individual affected with Eosinophilic Esophagitis (Sherrill_2018). This report does not provide unequivocal conclusions about association of the variant with 2-Aminoadipic 2-Oxoadipic Aciduria. One publication reports experimental evidence evaluating mitochondrial function using fibroblasts from a heterozygous patient diagnosed with Eosinophilic Esophagitis (Sherrill_2018), however, this evidence does not allow convincing conclusions about the variant effect. The following publication has been ascertained in the context of this evaluation (PMID: 29669943). Two ClinVar submitters have assessed the variant since 2014: both classified the variant as pathogenic. Based on the evidence outlined above, the variant was classified as likely pathogenic.

Baylor Genetics
Classification: Pathogenic for Charcot-Marie-Tooth disease axonal type 2Q. Last evaluated: 2018-11-03. Review status: criteria provided, single submitter. Criteria: ACMG Guidelines, 2015. Collection method: clinical testing. Allele origin: paternal. Affected: yes.
Comment: This variant was determined to be pathogenic according to ACMG Guidelines, 2015 [PMID:25741868].

Literature cited by the submitters: PubMed 29669943 (cited by 3 submitters); PubMed 16199547 (cited by Labcorp Genetics (formerly Invitae), Labcorp); PubMed 23141293 (cited by Labcorp Genetics (formerly Invitae), Labcorp); PubMed 25860818 (cited by Labcorp Genetics (formerly Invitae), Labcorp).

NM_018706.7(DHTKD1):c.1897-1G>A

Gene: DHTKD1 (dehydrogenase E1 and transketolase domain containing 1; plus strand). Cytogenetic location: 10p14.
Variant type: single nucleotide variant.
Coding change: c.1897-1G>A on transcript NM_018706.7 (MANE Select); the canonical splice acceptor site of the intron before coding-DNA position 1897, G replaced by A.
Molecular consequence: splice acceptor variant.
Genome position (GRCh38, 1-based): chr10:12,106,245, G>A. VCF-style: chr10-12106245-G-A. GRCh37 (hg19) VCF-style: chr10-12148244-G-A.
Identifiers: ClinVar variation 467824 (VCV000467824.16), dbSNP rs760386662, ClinGen allele CA5408069.